The following is an entry in ClinVar:

ClinVar aggregate classification (germline): Uncertain significance. Review status: criteria provided, multiple submitters, no conflicts (2 of 4 stars). 8 submissions from 8 submitters: Uncertain significance (8). Last evaluated 2026-06-08.

Conditions:
Type 2 diabetes mellitus. Also called: Type II diabetes mellitus. Identifiers: MedGen C0011860, MeSH D003924, MONDO:0005148, OMIM 125853, HP:0005978.
Nonpapillary renal cell carcinoma. Identifiers: Orphanet 422526, MedGen CN074294, MONDO:0007763, OMIM 144700.
Renal cysts and diabetes syndrome (RCAD). Also called: MATURITY-ONSET DIABETES OF THE YOUNG, TYPE 5; Familial hypoplastic, glomerulocystic kidney. Identifiers: Orphanet 93111, MedGen C0431693, MONDO:0007669, OMIM 137920.
HNF1B-related disorder. Also called: HNF1B-related condition; HNF1B-related disorders.

Allele frequency attached by ClinVar (database versions not stated): gnomAD exomes 0.00001; TOPMed 0.00001; gnomAD 0.00002.

Submissions (8):

PreventionGenetics, part of Exact Sciences
Classification: Uncertain significance for HNF1B-related condition. Last evaluated: 2026-06-08. Review status: criteria provided, single submitter. Criteria: ACMG Guidelines, 2015. Collection method: clinical testing. Allele origin: germline.
Comment: The HNF1B c.1390G>A variant is predicted to result in the amino acid substitution p.Gly464Ser. To our knowledge, this variant has not been reported in the literature. Of note, at this position is a serine (Ser) in mouse and rat, a different substitution at the same codon, defined as c.1390G>C (p.Gly464Arg), was reported in a patient with maturity-onset diabetes of the young (MODY) (Ateş et al. 2021. PubMed ID: 34462253). The c.1390G>A (p.Gly464Ser) variant is reported in 0.0044% of alleles in individuals of South Asian descent in gnomAD. At this time, the clinical significance of this variant is uncertain due to the absence of conclusive functional and genetic evidence.

Labcorp Genetics (formerly Invitae), Labcorp
Classification: Uncertain significance. Last evaluated: 2025-10-06. Review status: criteria provided, single submitter. Criteria: Invitae Variant Classification Sherloc (09022015). Collection method: clinical testing. Allele origin: germline.
Comment: This sequence change replaces glycine, which is neutral and non-polar, with serine, which is neutral and polar, at codon 464 of the HNF1B protein (p.Gly464Ser). The frequency data for this variant in the population databases is considered unreliable, as metrics indicate poor data quality at this position in the gnomAD database. This missense change has been observed in individual(s) with diabetes (PMID: 33046911). ClinVar contains an entry for this variant (Variation ID: 1172901). Invitae Evidence Modeling of protein sequence and biophysical properties (such as structural, functional, and spatial information, amino acid conservation, physicochemical variation, residue mobility, and thermodynamic stability) indicates that this missense variant is not expected to disrupt HNF1B protein function with a negative predictive value of 80%. In summary, the available evidence is currently insufficient to determine the role of this variant in disease. Therefore, it has been classified as a Variant of Uncertain Significance.

GeneDx
Classification: Uncertain significance. Last evaluated: 2023-06-27. Review status: criteria provided, single submitter. Criteria: GeneDx Variant Classification Process June 2021. Collection method: clinical testing. Allele origin: germline. Affected: yes.
Comment: In silico analysis supports that this missense variant does not alter protein structure/function; Has not been previously published as pathogenic or benign to our knowledge

Athena Diagnostics
Classification: Uncertain significance. Last evaluated: 2023-06-09. Review status: criteria provided, single submitter. Criteria: Athena Diagnostics Criteria. Collection method: clinical testing. Allele origin: unknown.
Comment: Available data are insufficient to determine the clinical significance of the variant at this time. The frequency of this variant in the general population is uninformative in assessment of its pathogenicity. Computational tools predict that this variant is not damaging.

Fulgent Genetics
Classification: Uncertain significance for Type 2 diabetes mellitus; Renal cysts and diabetes syndrome; Nonpapillary renal cell carcinoma. Last evaluated: 2022-03-18. Review status: criteria provided, single submitter. Criteria: ACMG Guidelines, 2015. Collection method: clinical testing. Allele origin: unknown.

New York Genome Center
Classification: Uncertain significance for Type 2 diabetes mellitus. Last evaluated: 2021-09-10. Review status: criteria provided, single submitter. Criteria: NYGC Assertion Criteria 2020. Collection method: clinical testing. Allele origin: germline. Observed: 1 heterozygote.
Comment: The heterozygous c.1390G>A (p. Gly464Ser) missense variant identified in HNF1B has not been reported in affected individuals in the literature. The variant has0.00001973 allele frequency in the gnomAD(v3) database (3 out of 152022 heterozygous alleles, no homozygotes) suggesting it is not a common benign variant inpopulations represented in that database. This variant has been reported in the ClinVar database as a Variant of Uncertain Significance [Variation ID: 1172901]. The affected residue is not well conserved. In silico tools provide conflicting predictions about potential pathogenicity of this variant (CADD score = 17.98, REVEL score =0.332). Based on the available evidence, the heterozygous 1390G>A (p. Gly464Ser) missense variant identified in the HNF1B gene is reported as a Variant of Uncertain Significance.

Women's Health and Genetics/Laboratory Corporation of America, LabCorp
Classification: Uncertain significance. Last evaluated: 2021-06-04. Review status: criteria provided, single submitter. Criteria: LabCorp Variant Classification Summary - May 2015. Collection method: clinical testing. Allele origin: germline.
Comment: Variant summary: HNF1B c.1390G>A (p.Gly464Ser) results in a non-conservative amino acid change located in the C-terminal domain (IPR006897) of the encoded protein sequence. Three of five in-silico tools predict a damaging effect of the variant on protein function. The variant allele was found at a frequency of 1.3e-05 in 158788 control chromosomes (gnomAD). The available data on variant occurrences in the general population are insufficient to allow any conclusion about variant significance. To our knowledge, no occurrence of c.1390G>A in individuals affected with Maturity Onset Diabetes Of The Young 5 (Renal Cysts And Diabetes Syndrome) and no experimental evidence demonstrating its impact on protein function have been reported. No clinical diagnostic laboratories have submitted clinical-significance assessments for this variant to ClinVar after 2014. Based on the evidence outlined above, the variant was classified as uncertain significance.

Seattle Children's Hospital Molecular Genetics Laboratory, Seattle Children's Hospital
Classification: Uncertain significance. Review status: criteria provided, single submitter. Criteria: ACMG Guidelines, 2015. Collection method: clinical testing. Allele origin: germline. Affected: yes.
Comment: The c.1390G>A variant, located in exon 7 of HNF1B, results in substitution of glycine for serine at amino acid position 464 of the protein. This variant has not been reported in the medical literature or gene-specific databases. This is not a common variant in the general population (3 of 190,150 alleles; Genome Aggregation Database v2.1). A different missense change at an adjacent residue (p.Ser465Arg, rs121918673) has been reported in two individuals with type 2 diabetes and a family history of at least one first-degree relative with diabetes (PMID: 12161522). The p.Ser465Arg change was experimentally demonstrated to cause a decrease in HNF1B activity. The potential impact of a p.Gly464Ser change to HNF1B function is not known.

Literature cited by the submitters: PubMed 33046911 (cited by Labcorp Genetics (formerly Invitae), Labcorp and Athena Diagnostics).

NM_000458.4(HNF1B):c.1390G>A (p.Gly464Ser)

Gene: HNF1B (HNF1 homeobox B; minus strand). Cytogenetic location: 17q12.
Variant type: single nucleotide variant.
Coding change: c.1390G>A on transcript NM_000458.4 (MANE Select); coding-DNA position 1390, G replaced by A.
Protein change: p.Gly464Ser; replaces glycine 464 with serine.
Molecular consequence: missense variant. On other transcripts: intron variant (1).
Genome position (GRCh38, 1-based): chr17:37,701,127, C>T on the plus strand (G>A on the coding strand, the complement: HNF1B is on the minus strand). VCF-style: chr17-37701127-C-T. GRCh37 (hg19) VCF-style: chr17-36061132-C-T.
Other names: c.1312G>A, p.Gly438Ser (NM_001165923.4); c.1261+3790G>A (NM_001304286.2); short protein forms G438S, G464S.
Identifiers: ClinVar variation 1172901 (VCV001172901.11), dbSNP rs982085453, ClinGen allele CA290294748.